The following is an entry in ClinVar:

ClinVar aggregate classification (germline): Uncertain significance (0 of 4 stars; one submission).

Conditions:
SLC34A3-related disorder. Also called: SLC34A3-related condition.

gnomAD v4.1: 2 of 1,612,448 alleles (0.00012%); highest among the groups gnomAD compares: Non-Finnish European, 0.00017%; no homozygotes.

Submission:

PreventionGenetics, part of Exact Sciences
Classification: Uncertain significance for SLC34A3-related condition. Last evaluated: 2024-06-17. Review status: no assertion criteria provided. Collection method: clinical testing. Allele origin: germline.
Comment: The SLC34A3 c.1234C>G variant is predicted to result in the amino acid substitution p.Arg412Gly. This variant has been reported to occur de novo in individuals with a developmental phenotype (9:140129082-C-G, Table S1, Kaplanis et al 2020. PubMed ID: 33057194; Table S3, Zhou et al 2022. PubMed ID: 35982159). However, additional de novo variants were also identified in these patients making the contribution of this variant to phenotype unclear. This variant has not been reported in a large population database, indicating this variant is rare. At this time, the clinical significance of this variant is uncertain due to the absence of conclusive functional and genetic evidence.

NM_001177316.2(SLC34A3):c.1234C>G (p.Arg412Gly)

Gene: SLC34A3 (solute carrier family 34 member 3; plus strand). Cytogenetic location: 9q34.3.
Variant type: single nucleotide variant.
Coding change: c.1234C>G on transcript NM_001177316.2 (MANE Select); coding-DNA position 1234, C replaced by G.
Protein change: p.Arg412Gly; replaces arginine 412 with glycine.
Molecular consequence: missense variant.
Genome position (GRCh38, 1-based): chr9:137,234,630, C>G. VCF-style: chr9-137234630-C-G. GRCh37 (hg19) VCF-style: chr9-140129082-C-G.
Other names: c.1234C>G, p.Arg412Gly (NM_001177317.2, NM_080877.3); short protein forms R412G.
Identifiers: ClinVar variation 3346191 (VCV003346191.1).